The following is an entry in ClinVar:

NM_000038.6(APC):c.2217T>G (p.Asp739Glu)

Gene: APC (APC regulator of Wnt signaling pathway; plus strand). Cytogenetic location: 5q22.2.
Variant type: single nucleotide variant.
Coding change: c.2217T>G on transcript NM_000038.6 (MANE Select); coding-DNA position 2217, T replaced by G.
Protein change: p.Asp739Glu; replaces aspartic acid 739 with glutamic acid.
Molecular consequence: missense variant.
Genome position (GRCh38, 1-based): chr5:112,837,811, T>G. VCF-style: chr5-112837811-T-G. GRCh37 (hg19) VCF-style: chr5-112173508-T-G.
Other names: c.2217T>G, p.Asp739Glu (NM_001127510.3, NM_001354895.2, NM_001407450.1); c.2163T>G, p.Asp721Glu (NM_001127511.3); c.2271T>G, p.Asp757Glu (NM_001354896.2, NM_001407447.1, NM_001407448.1 and 1 more transcripts); c.2247T>G, p.Asp749Glu (NM_001354897.2); c.2142T>G, p.Asp714Glu (NM_001354898.2); c.2133T>G, p.Asp711Glu (NM_001354899.2); c.2094T>G, p.Asp698Glu (NM_001354900.2); c.2040T>G, p.Asp680Glu (NM_001354901.2, NM_001407453.1); and 11 more; short protein forms D648E, D721E, D749E, D456E, D579E, D610E, D638E, D698E.
Identifiers: ClinVar variation 1909279 (VCV001909279.5), dbSNP rs1765132671, ClinGen allele CA16026192.
Genomic context (GRCh38, chr5:112,837,811, plus strand): 5'-TATGGGAAGTGCTGCAGCTTTAAGGAATCTCATGGCAAATAGGCCTGCGAAGTACAAGGA[T>G]GCCAATATTATGTCTCCTGGCTCAAGCTTGCCATCTCTTCATGTTAGGAAACAAAAAGCC-3'
Protein context (NP_000029.2, residues 729-749): LMANRPAKYK[Asp739Glu]ANIMSPGSSL

ClinVar aggregate classification (germline): Uncertain significance (1 of 4 stars; one submission).

Conditions:
Familial adenomatous polyposis 1 (FAP1). Also called: FAMILIAL ADENOMATOUS POLYPOSIS 1, ATTENUATED; POLYPOSIS, ADENOMATOUS INTESTINAL. Identifiers: MedGen C2713442, MONDO:0021056, OMIM 175100. Disease mechanism: loss of function.

Submission:

Labcorp Genetics (formerly Invitae), Labcorp
Classification: Uncertain significance for Familial adenomatous polyposis 1. Last evaluated: 2022-04-12. Review status: criteria provided, single submitter. Criteria: Invitae Variant Classification Sherloc (09022015). Collection method: clinical testing. Allele origin: germline.
Comment: This sequence change replaces aspartic acid, which is acidic and polar, with glutamic acid, which is acidic and polar, at codon 739 of the APC protein (p.Asp739Glu). This variant is not present in population databases (gnomAD no frequency). This variant has not been reported in the literature in individuals affected with APC-related conditions. Algorithms developed to predict the effect of missense changes on protein structure and function are either unavailable or do not agree on the potential impact of this missense change (SIFT: "Deleterious"; PolyPhen-2: "Benign"; Align-GVGD: "Class C0"). In summary, the available evidence is currently insufficient to determine the role of this variant in disease. Therefore, it has been classified as a Variant of Uncertain Significance.